The following is an entry in ClinVar:

ClinVar aggregate classification (germline): Conflicting classifications of pathogenicity. Review status: criteria provided, conflicting classifications (1 of 4 stars). 3 submissions from 3 submitters: Uncertain significance (2); Likely benign (1). Last evaluated 2025-09-27.

Conditions:
Kabuki syndrome 1 (KABUK1). Also called: KMT2D-Related Kabuki Syndrome. Identifiers: Orphanet 2322, MedGen CN030661, MONDO:0007843, OMIM 147920.
Kabuki syndrome. Also called: Kabuki make-up syndrome; NIIKAWA-KUROKI SYNDROME. Identifiers: Orphanet 2322, MedGen C0796004, MONDO:0016512.
KMT2D-related disorder. Also called: KMT2D-Related Disorders.

Allele frequency attached by ClinVar (database versions not stated): gnomAD exomes below 0.00001; TOPMed below 0.00001; gnomAD 0.00001.
gnomAD v4.1: 3 of 1,581,970 alleles (0.00019%); highest among the groups gnomAD compares: Admixed American, 0.0035%; no homozygotes.

Submissions (3):

Labcorp Genetics (formerly Invitae), Labcorp
Classification: Likely benign for Kabuki syndrome. Last evaluated: 2025-09-27. Review status: criteria provided, single submitter. Criteria: Invitae Variant Classification Sherloc (09022015). Collection method: clinical testing. Allele origin: germline.

PreventionGenetics, part of Exact Sciences
Classification: Uncertain significance for KMT2D-related condition. Last evaluated: 2023-02-21. Review status: criteria provided, single submitter. Criteria: ACMG Guidelines, 2015. Collection method: clinical testing. Allele origin: germline.
Comment: The KMT2D c.3896G>A variant is predicted to result in the amino acid substitution p.Arg1299His. To our knowledge, this variant has not been reported in the literature. This variant is reported in 0.0031% of alleles in individuals of Latino descent in gnomAD. At this time, the clinical significance of this variant is uncertain due to the absence of conclusive functional and genetic evidence.

New York Genome Center
Classification: Uncertain significance for Kabuki syndrome 1. Last evaluated: 2021-08-12. Review status: criteria provided, single submitter. Criteria: NYGC Assertion Criteria 2020. Collection method: clinical testing. Allele origin: inherited. Observed: 1 heterozygote. Study: CSER-NYCKidSeq.

NM_003482.4(KMT2D):c.3896G>A (p.Arg1299His)

Genes: KMT2D (lysine methyltransferase 2D; minus strand), LOC126861520 (CDK7 strongly-dependent group 2 enhancer GRCh37_chr12:49442744-49443943; plus strand). Cytogenetic location: 12q13.12.
Variant type: single nucleotide variant.
Coding change: c.3896G>A on transcript NM_003482.4 (MANE Select); coding-DNA position 3896, G replaced by A.
Protein change: p.Arg1299His; replaces arginine 1299 with histidine.
Molecular consequence: missense variant.
Genome position (GRCh38, 1-based): chr12:49,049,692, C>T on the plus strand (G>A on the coding strand, the complement: KMT2D is on the minus strand). VCF-style: chr12-49049692-C-T. GRCh37 (hg19) VCF-style: chr12-49443475-C-T.
Other names: short protein forms R1299H.
Identifiers: ClinVar variation 1701764 (VCV001701764.5), dbSNP rs1266718915, ClinGen allele CA384652379.